The following is an entry in ClinVar:

NM_000479.5(AMH):c.1211T>C (p.Leu404Pro)

Gene: AMH (anti-Mullerian hormone; plus strand). Cytogenetic location: 19p13.3.
Variant type: single nucleotide variant.
Coding change: c.1211T>C on transcript NM_000479.5 (MANE Select); coding-DNA position 1211, T replaced by C.
Protein change: p.Leu404Pro; replaces leucine 404 with proline.
Molecular consequence: missense variant.
Genome position (GRCh38, 1-based): chr19:2,251,485, T>C. VCF-style: chr19-2251485-T-C. GRCh37 (hg19) VCF-style: chr19-2251484-T-C.
Other names: p.Leu404Pro; short protein forms L404P.
Identifiers: ClinVar variation 3340463 (VCV003340463.2).

ClinVar aggregate classification (germline): Uncertain significance (1 of 4 stars; one submission).

Conditions:
Persistent Mullerian duct syndrome (PMDS). Also called: PERSISTENT MULLERIAN DUCT SYNDROME, TYPES I AND II; PERSISTENT OVIDUCT SYNDROME; PSEUDOHERMAPHRODITISM, MALE INTERNAL; FEMALE GENITAL DUCTS IN OTHERWISE NORMAL MALE; HERNIA UTERI INGUINALE. Identifiers: Orphanet 2856, MedGen C1849930, MONDO:0009857, OMIM 261550.

Submission:

Foundation for Research in Genetics and Endocrinology, FRIGE's Institute of Human Genetics
Classification: Uncertain significance for Persistent Mullerian duct syndrome. Last evaluated: 2024-08-29. Review status: criteria provided, single submitter. Criteria: ACMG Guidelines, 2015. Collection method: clinical testing. Allele origin: germline. Inheritance: Autosomal recessive inheritance. Affected: yes. Observed: 1 homozygote.
Comment: A homozygous missense variant in exon 5 of the AMH gene that results in the amino acid substitution of Proline for Leucine at codon 404 was detected. The observed variant lies in the 'Anti-Mullerian hormone, N terminal region' domain of the AMH protein (PF04709). The p.Leu404Pro variant has not been reported in the 1000 genomes, gnomAD (v3.1), gnomAD (v2.1), topmed and databases. The in-silico prediction of the variant is damaging by SIFT. The reference codon is conserved across species. In summary, the variant meets our criteria to be classified as variant of uncertain significance.